The following is an entry in ClinVar:

NM_014727.3(KMT2B):c.6802C>T (p.Pro2268Ser)

Gene: KMT2B (lysine methyltransferase 2B; plus strand). Cytogenetic location: 19q13.12.
Variant type: single nucleotide variant.
Coding change: c.6802C>T on transcript NM_014727.3 (MANE Select); coding-DNA position 6802, C replaced by T.
Protein change: p.Pro2268Ser; replaces proline 2268 with serine.
Molecular consequence: missense variant.
Genome position (GRCh38, 1-based): chr19:35,733,351, C>T. VCF-style: chr19-35733351-C-T. GRCh37 (hg19) VCF-style: chr19-36224252-C-T.
Other names: short protein forms P2268S.
Identifiers: ClinVar variation 2649750 (VCV002649750.24), dbSNP rs1409900290, ClinGen allele CA405430173.
Genomic context (GRCh38, chr19:35,733,351, plus strand): 5'-GTGGTCCGCCCTGCCCCGCCCCCGCCACCCCCTCCCCTGACGCTGGTGCTGAGCAGTGGG[C>T]CAGCCAGCCCGCCCCGCCAGGCCATCCGCGTCAAGAGGGTGTCCACTTTCTCCGGCCGGT-3'
Protein context (NP_055542.1, residues 2258-2278): PPLTLVLSSG[Pro2268Ser]ASPPRQAIRV

ClinVar aggregate classification (germline): Uncertain significance (1 of 4 stars; one submission).

Allele frequency attached by ClinVar (database versions not stated): gnomAD 0.00001; TOPMed 0.00001; gnomAD exomes 0.00002.
gnomAD v4.1: 23 of 1,286,312 alleles (0.0018%); highest among the groups gnomAD compares: Non-Finnish European, 0.0022%; no homozygotes.

Submission:

CeGaT Center for Human Genetics Tuebingen
Classification: Uncertain significance. Last evaluated: 2023-04-01. Review status: criteria provided, single submitter. Criteria: CeGaT Center For Human Genetics Tuebingen Variant Classification Criteria Version 2. Collection method: clinical testing. Allele origin: germline. Affected: yes. Observed: 1 variant allele.
Comment: KMT2B: PM2